The following is an entry in ClinVar:

NM_182961.4(SYNE1):c.8653-19T>C

Genes: SYNE1 (spectrin repeat containing nuclear envelope protein 1; minus strand), SYNE1-AS1 (SYNE1 antisense RNA 1; plus strand). Cytogenetic location: 6q25.2.
Variant type: single nucleotide variant.
Coding change: c.8653-19T>C on transcript NM_182961.4 (MANE Select); 19 bases into the intron before coding-DNA position 8653, T replaced by C.
Molecular consequence: intron variant. On other transcripts: non-coding transcript variant (1).
Genome position (GRCh38, 1-based): chr6:152,381,381, A>G on the plus strand (T>C on the coding strand, the complement: SYNE1 is on the minus strand). VCF-style: chr6-152381381-A-G. GRCh37 (hg19) VCF-style: chr6-152702516-A-G.
Other names: c.8674-19T>C (NM_033071.5).
Identifiers: ClinVar variation 680361 (VCV000680361.8), dbSNP rs376539357, ClinGen allele CA4057488.

ClinVar aggregate classification (germline): Likely benign. Review status: criteria provided, multiple submitters, no conflicts (2 of 4 stars). 2 submissions from 2 submitters: Likely benign (2). Last evaluated 2025-10-29.

Conditions:
Emery-Dreifuss muscular dystrophy 4, autosomal dominant (EDMD4). Also called: EMERY-DREIFUSS MUSCULAR DYSTROPHY 4 WITH VARIABLE FEATURES. Identifiers: Orphanet 261, MedGen C2751807, MONDO:0013071, OMIM 612998.
Autosomal recessive ataxia, Beauce type. Also called: Spinocerebellar ataxia, autosomal recessive 8; ATAXIA, RECESSIVE, OF BEAUCE; SYNE1-Related Autosomal Recessive Cerebellar Ataxia; SYNE1 Deficiency. Identifiers: Orphanet 88644, MedGen C1853116, MONDO:0012549, OMIM 610743.

Allele frequency attached by ClinVar (database versions not stated): TOPMed 0.00003; gnomAD 0.00004 and 0.00007; gnomAD exomes 0.00006; ExAC 0.00008; ESP Exome Variant Server 0.00008.
gnomAD v4.1: 82 of 1,610,232 alleles (0.0051%); highest among the groups gnomAD compares: South Asian, 0.063%; no homozygotes.

Submissions (2):

Labcorp Genetics (formerly Invitae), Labcorp
Classification: Likely benign for Emery-Dreifuss muscular dystrophy 4, autosomal dominant; Autosomal recessive ataxia, Beauce type. Last evaluated: 2025-10-29. Review status: criteria provided, single submitter. Criteria: Invitae Variant Classification Sherloc (09022015). Collection method: clinical testing. Allele origin: germline.

GeneDx
Classification: Likely benign. Last evaluated: 2018-03-19. Review status: criteria provided, single submitter. Criteria: GeneDx Variant Classification (06012015). Collection method: clinical testing. Allele origin: germline. Affected: yes.
Comment: This variant is considered likely benign or benign based on one or more of the following criteria: it is a conservative change, it occurs at a poorly conserved position in the protein, it is predicted to be benign by multiple in silico algorithms, and/or has population frequency not consistent with disease.